The following is an entry in ClinVar:

ClinVar aggregate classification (germline): Uncertain significance (1 of 4 stars; one submission).

Conditions:
Hereditary nonpolyposis colorectal neoplasms. Identifiers: MedGen C0009405, MeSH D003123.

Submission:

Labcorp Genetics (formerly Invitae), Labcorp
Classification: Uncertain significance for Hereditary nonpolyposis colorectal neoplasms. Last evaluated: 2023-10-29. Review status: criteria provided, single submitter. Criteria: Invitae Variant Classification Sherloc (09022015). Collection method: clinical testing. Allele origin: germline.
Comment: This sequence change replaces alanine, which is neutral and non-polar, with glycine, which is neutral and non-polar, at codon 931 of the MSH6 protein (p.Ala931Gly). This variant is not present in population databases (gnomAD no frequency). This variant has not been reported in the literature in individuals affected with MSH6-related conditions. Advanced modeling of protein sequence and biophysical properties (such as structural, functional, and spatial information, amino acid conservation, physicochemical variation, residue mobility, and thermodynamic stability) performed at Invitae indicates that this missense variant is not expected to disrupt MSH6 protein function with a negative predictive value of 95%. In summary, the available evidence is currently insufficient to determine the role of this variant in disease. Therefore, it has been classified as a Variant of Uncertain Significance.

NM_000179.3(MSH6):c.2792C>G (p.Ala931Gly)

Gene: MSH6 (mutS homolog 6; plus strand). Cytogenetic location: 2p16.3.
Variant type: single nucleotide variant.
Coding change: c.2792C>G on transcript NM_000179.3 (MANE Select); coding-DNA position 2792, C replaced by G.
Protein change: p.Ala931Gly; replaces alanine 931 with glycine.
Molecular consequence: missense variant. On other transcripts: non-coding transcript variant (5), intron variant (2).
Genome position (GRCh38, 1-based): chr2:47,800,775, C>G. VCF-style: chr2-47800775-C-G. GRCh37 (hg19) VCF-style: chr2-48027914-C-G.
Other names: c.2792C>G, p.Ala931Gly (NM_001406800.1, NM_001406796.1, NM_001406798.1 and 2 more transcripts); c.2495C>G, p.Ala832Gly (NM_001406818.1, NM_001406819.1, NM_001406820.1 and 10 more transcripts); c.1886C>G, p.Ala629Gly (NM_001406823.1, NM_001406829.1, NM_001406816.1 and 6 more transcripts); c.2624C>G, p.Ala875Gly (NM_001406826.1); c.737C>G, p.Ala246Gly (NM_001407362.1); c.2888C>G, p.Ala963Gly (NM_001406802.1, NM_001406795.1); c.2714C>G, p.Ala905Gly (NM_001406804.1); c.2402C>G, p.Ala801Gly (NM_001281492.2); and 4 more; short protein forms A801G, A875G, A933G, A246G, A905G, A931G, A629G, A756G.
Identifiers: ClinVar variation 2770530 (VCV002770530.3), dbSNP rs927587365, ClinGen allele CA346755541.
Genomic context (GRCh38, chr2:47,800,775, plus strand): 5'-GATGGGATACAGCCTTTGACCATGAAAAGGCTCGAAAGACTGGACTTATTACTCCCAAAG[C>G]AGGCTTTGACTCTGATTATGACCAAGCTCTTGCTGACATAAGAGAAAATGAACAGAGCCT-3'
Protein context (NP_000170.1, residues 921-941): ARKTGLITPK[Ala931Gly]GFDSDYDQAL